The following is an entry in ClinVar:

ClinVar aggregate classification (germline): Uncertain significance (1 of 4 stars; one submission).

gnomAD v4.1: 1 of 1,609,570 alleles (0.000062%); highest among the groups gnomAD compares: Non-Finnish European, 0.000085%; no homozygotes.

Submission:

Labcorp Genetics (formerly Invitae), Labcorp
Classification: Uncertain significance. Last evaluated: 2024-09-10. Review status: criteria provided, single submitter. Criteria: Invitae Variant Classification Sherloc (09022015). Collection method: clinical testing. Allele origin: germline.
Comment: This sequence change replaces asparagine, which is neutral and polar, with serine, which is neutral and polar, at codon 2431 of the HMCN1 protein (p.Asn2431Ser). This variant is not present in population databases (gnomAD no frequency). This variant has not been reported in the literature in individuals affected with HMCN1-related conditions. An algorithm developed to predict the effect of missense changes on protein structure and function outputs the following: PolyPhen-2: "Benign". The serine amino acid residue is found in multiple mammalian species, which suggests that this missense change does not adversely affect protein function. In summary, the available evidence is currently insufficient to determine the role of this variant in disease. Therefore, it has been classified as a Variant of Uncertain Significance.

NM_031935.3(HMCN1):c.7292A>G (p.Asn2431Ser)

Gene: HMCN1 (hemicentin 1; plus strand). Cytogenetic location: 1q31.1.
Variant type: single nucleotide variant.
Coding change: c.7292A>G on transcript NM_031935.3 (MANE Select); coding-DNA position 7292, A replaced by G.
Protein change: p.Asn2431Ser; replaces asparagine 2431 with serine.
Molecular consequence: missense variant.
Genome position (GRCh38, 1-based): chr1:186,057,381, A>G. VCF-style: chr1-186057381-A-G. GRCh37 (hg19) VCF-style: chr1-186026513-A-G.
Other names: short protein forms N2431S.
Identifiers: ClinVar variation 3730525 (VCV003730525.2).
Genomic context (GRCh38, chr1:186,057,381, plus strand): 5'-CTGGAATTCCCCTGCCTTCCATAACCTGGTTCAAAGATGGGTGGCCTGTCAGCCTTAGCA[A>G]TTCTGTGAGGATTCTTTCAGGTATTAGAAATTCTGGTAGCCTTATAATCTTGTTAGCTTC-3'
Protein context (NP_114141.2, residues 2421-2441): FKDGWPVSLS[Asn2431Ser]SVRILSGGRM